The following is an entry in ClinVar:

ClinVar aggregate classification (germline): Uncertain significance (1 of 4 stars; one submission).

gnomAD v4.1: 4 of 1,517,036 alleles (0.00026%); highest among the groups gnomAD compares: Admixed American, 0.0022%; no homozygotes.

Submission:

Labcorp Genetics (formerly Invitae), Labcorp
Classification: Uncertain significance. Last evaluated: 2025-04-22. Review status: criteria provided, single submitter. Criteria: Invitae Variant Classification Sherloc (09022015). Collection method: clinical testing. Allele origin: germline.
Comment: This sequence change replaces methionine, which is neutral and non-polar, with valine, which is neutral and non-polar, at codon 721 of the KCNH1 protein (p.Met721Val). This variant is present in population databases (rs781342181, gnomAD 0.005%). This variant has not been reported in the literature in individuals affected with KCNH1-related conditions. Invitae Evidence Modeling of protein sequence and biophysical properties (such as structural, functional, and spatial information, amino acid conservation, physicochemical variation, residue mobility, and thermodynamic stability) has been performed for this missense variant. However, the output from this modeling did not meet the statistical confidence thresholds required to predict the impact of this variant on KCNH1 protein function. In summary, the available evidence is currently insufficient to determine the role of this variant in disease. Therefore, it has been classified as a Variant of Uncertain Significance.

NM_172362.3(KCNH1):c.2161A>G (p.Met721Val)

Gene: KCNH1 (potassium voltage-gated channel subfamily H member 1; minus strand). Cytogenetic location: 1q32.2.
Variant type: single nucleotide variant.
Coding change: c.2161A>G on transcript NM_172362.3 (MANE Select); coding-DNA position 2161, A replaced by G.
Protein change: p.Met721Val; replaces methionine 721 with valine.
Molecular consequence: missense variant.
Genome position (GRCh38, 1-based): chr1:210,684,090, T>C on the plus strand (A>G on the coding strand, the complement: KCNH1 is on the minus strand). VCF-style: chr1-210684090-T-C. GRCh37 (hg19) VCF-style: chr1-210857432-T-C.
Other names: c.2080A>G, p.Met694Val (NM_002238.4); short protein forms M694V, M721V.
Identifiers: ClinVar variation 4748258 (VCV004748258.1).